The following is an entry in ClinVar:

NM_001244008.2(KIF1A):c.430-207C>T

Gene: KIF1A (kinesin family member 1A; minus strand). Cytogenetic location: 2q37.3.
Variant type: single nucleotide variant.
Coding change: c.430-207C>T on transcript NM_001244008.2 (MANE Select); 207 bases into the intron before coding-DNA position 430, C replaced by T.
Molecular consequence: intron variant.
Genome position (GRCh38, 1-based): chr2:240,786,720, G>A on the plus strand (C>T on the coding strand, the complement: KIF1A is on the minus strand). VCF-style: chr2-240786720-G-A. GRCh37 (hg19) VCF-style: chr2-241726137-G-A.
Other names: c.430-207C>T (NM_001379653.1, NM_001379650.1, NM_001379645.1 and 20 more transcripts).
Identifiers: ClinVar variation 682830 (VCV000682830.1), dbSNP rs10186489, ClinGen allele CA16131847.
Genomic context (GRCh38, chr2:240,786,720, plus strand): 5'-GGGTGGGGGCCACCACCAGGACCCCTGAGGGGATGGGAGCCAGCATCAGGACCCCTGAGT[G>A]AGGGGGTGGGGGCTGCCTGCTGGGCCCCTGAGTGAGAGGGTAGGGGCCACCATCAGGACC-3'

ClinVar aggregate classification (germline): Benign (1 of 4 stars; one submission).

Allele frequency attached by ClinVar (database versions not stated): gnomAD 0.31059 and 0.31568.
gnomAD v4.1: 31,245 of 100,500 alleles (31%); highest among the groups gnomAD compares: African/African-American, 37%; 2,157 homozygotes.

Submission:

GeneDx
Classification: Benign. Last evaluated: 2018-06-19. Review status: criteria provided, single submitter. Criteria: GeneDx Variant Classification (06012015). Collection method: clinical testing. Allele origin: germline. Affected: yes.
Comment: This variant is considered likely benign or benign based on one or more of the following criteria: it is a conservative change, it occurs at a poorly conserved position in the protein, it is predicted to be benign by multiple in silico algorithms, and/or has population frequency not consistent with disease.